The following is an entry in ClinVar:

ClinVar aggregate classification (germline): Conflicting classifications of pathogenicity. Review status: criteria provided, conflicting classifications (1 of 4 stars). 2 submissions from 2 submitters: Uncertain significance (1); Likely benign (1). Last evaluated 2023-12-17.

Conditions:
Inborn genetic diseases. Identifiers: MedGen C0950123, MeSH D030342.
Familial infantile myasthenia (CMS6). Also called: MYASTHENIC SYNDROME, PRESYNAPTIC, CONGENITAL, ASSOCIATED WITH EPISODIC APNEA; Congenital myasthenic syndrome type 6; MYASTHENIC SYNDROME, CONGENITAL, 6, PRESYNAPTIC. Identifiers: Orphanet 590, MedGen C0393929, MONDO:0009689, OMIM 254210.

Allele frequency attached by ClinVar (database versions not stated): gnomAD 0.00002; TOPMed 0.00002; ExAC 0.00003.
gnomAD v4.1: 38 of 1,614,046 alleles (0.0024%); highest among the groups gnomAD compares: South Asian, 0.013%; no homozygotes.

Submissions (2):

Ambry Genetics
Classification: Likely benign for Inborn genetic diseases. Last evaluated: 2023-12-17. Review status: criteria provided, single submitter. Criteria: Ambry Variant Classification Scheme 2023. Collection method: clinical testing. Allele origin: germline.

Labcorp Genetics (formerly Invitae), Labcorp
Classification: Uncertain significance for Familial infantile myasthenia. Last evaluated: 2021-08-27. Review status: criteria provided, single submitter. Criteria: Invitae Variant Classification Sherloc (09022015). Collection method: clinical testing. Allele origin: germline.
Comment: This sequence change replaces threonine with methionine at codon 740 of the CHAT protein (p.Thr740Met). The threonine residue is weakly conserved and there is a moderate physicochemical difference between threonine and methionine. This variant is present in population databases (rs755783618, ExAC 0.02%). This variant has not been reported in the literature in individuals affected with CHAT-related conditions. ClinVar contains an entry for this variant (Variation ID: 651651). Algorithms developed to predict the effect of missense changes on protein structure and function output the following: SIFT: "Tolerated"; PolyPhen-2: "Benign"; Align-GVGD: "Class C0". The methionine amino acid residue is found in multiple mammalian species, which suggests that this missense change does not adversely affect protein function. In summary, the available evidence is currently insufficient to determine the role of this variant in disease. Therefore, it has been classified as a Variant of Uncertain Significance.

NM_020549.5(CHAT):c.2219C>T (p.Thr740Met)

Gene: CHAT (choline O-acetyltransferase; plus strand). Cytogenetic location: 10q11.23.
Variant type: single nucleotide variant.
Coding change: c.2219C>T on transcript NM_020549.5 (MANE Select); coding-DNA position 2219, C replaced by T.
Protein change: p.Thr740Met; replaces threonine 740 with methionine.
Molecular consequence: missense variant.
Genome position (GRCh38, 1-based): chr10:49,665,018, C>T. VCF-style: chr10-49665018-C-T. GRCh37 (hg19) VCF-style: chr10-50873064-C-T.
Other names: c.1865C>T, p.Thr622Met (NM_001142929.2, NM_001142934.2, NM_020984.4 and 2 more transcripts); c.1973C>T, p.Thr658Met (NM_001142933.2); short protein forms T740M, T622M, T658M.
Identifiers: ClinVar variation 651651 (VCV000651651.6), dbSNP rs755783618, ClinGen allele CA5497734.